The following is an entry in ClinVar:

NM_004656.4(BAP1):c.644G>C (p.Gly215Ala)

Gene: BAP1 (BRCA1 associated deubiquitinase 1; minus strand). Cytogenetic location: 3p21.1.
Variant type: single nucleotide variant.
Coding change: c.644G>C on transcript NM_004656.4 (MANE Select); coding-DNA position 644, G replaced by C.
Protein change: p.Gly215Ala; replaces glycine 215 with alanine.
Molecular consequence: missense variant.
Genome position (GRCh38, 1-based): chr3:52,406,844, C>G on the plus strand (G>C on the coding strand, the complement: BAP1 is on the minus strand). VCF-style: chr3-52406844-C-G. GRCh37 (hg19) VCF-style: chr3-52440860-C-G.
Other names: c.644G>C, p.Gly215Ala (NM_001410772.1); short protein forms G215A.
Identifiers: ClinVar variation 2763689 (VCV002763689.5), dbSNP rs1578225769, ClinGen allele CA353108793.

ClinVar aggregate classification (germline): Uncertain significance. Review status: criteria provided, multiple submitters, no conflicts (2 of 4 stars). 3 submissions from 3 submitters: Uncertain significance (3). Last evaluated 2026-04-30.

Conditions:
BAP1-related tumor predisposition syndrome (TPDS1). Also called: Tumor susceptibility linked to germline BAP1 mutations; COMMON Syndrome; TUMOR PREDISPOSITION SYNDROME 1; BAP1 tumor predisposition syndrome. Identifiers: Orphanet 289539, MedGen C3280492, MONDO:0013692, OMIM 614327.
Hereditary cancer-predisposing syndrome. Also called: Tumor predisposition; Hereditary neoplastic syndrome; Neoplastic Syndromes, Hereditary; Hereditary Cancer Syndrome. Identifiers: Orphanet 140162, MedGen C0027672, MeSH D009386, MONDO:0015356.

Submissions (3):

Ambry Genetics
Classification: Uncertain significance for Hereditary cancer-predisposing syndrome. Last evaluated: 2026-04-30. Review status: criteria provided, single submitter. Criteria: Ambry Variant Classification Scheme 2023. Collection method: clinical testing. Allele origin: germline.
Comment: The p.G215A variant (also known as c.644G>C), located in coding exon 8 of the BAP1 gene, results from a G to C substitution at nucleotide position 644. The glycine at codon 215 is replaced by alanine, an amino acid with similar properties. This amino acid position is conserved. In addition, the in silico prediction for this alteration is inconclusive. Based on the available evidence, the clinical significance of this variant remains unclear.

Labcorp Genetics (formerly Invitae), Labcorp
Classification: Uncertain significance for BAP1-related tumor predisposition syndrome. Last evaluated: 2025-11-05. Review status: criteria provided, single submitter. Criteria: Invitae Variant Classification Sherloc (09022015). Collection method: clinical testing. Allele origin: germline.
Comment: This sequence change replaces glycine, which is neutral and non-polar, with alanine, which is neutral and non-polar, at codon 215 of the BAP1 protein (p.Gly215Ala). This variant is not present in population databases (gnomAD no frequency). This variant has not been reported in the literature in individuals affected with BAP1-related conditions. ClinVar contains an entry for this variant (Variation ID: 2763689). Invitae Evidence Modeling of protein sequence and biophysical properties (such as structural, functional, and spatial information, amino acid conservation, physicochemical variation, residue mobility, and thermodynamic stability) indicates that this missense variant is expected to disrupt BAP1 protein function with a positive predictive value of 80%. In summary, the available evidence is currently insufficient to determine the role of this variant in disease. Therefore, it has been classified as a Variant of Uncertain Significance.

Color Diagnostics, LLC DBA Color Health
Classification: Uncertain significance for Hereditary cancer-predisposing syndrome. Last evaluated: 2025-10-27. Review status: criteria provided, single submitter. Criteria: ACMG Guidelines, 2015. Collection method: clinical testing. Allele origin: germline.
Comment: This missense variant replaces glycine with alanine at codon 215 of the BAP1 protein. Computational prediction suggests that this variant may not impact protein structure and function. To our knowledge, functional studies have not been reported for this variant. This variant has not been reported in individuals affected with BAP1-related disorders in the literature. This variant has not been identified in the general population by the Genome Aggregation Database (gnomAD). The available evidence is insufficient to determine the role of this variant in disease conclusively. Therefore, this variant is classified as a Variant of Uncertain Significance.